The following is an entry in ClinVar:

NM_001018115.3(FANCD2):c.3868G>A (p.Val1290Ile)

Genes: FANCD2 (FA complementation group D2; plus strand), FANCD2OS (FANCD2 opposite strand; minus strand). Cytogenetic location: 3p25.3.
Variant type: single nucleotide variant.
Coding change: c.3868G>A on transcript NM_001018115.3 (MANE Select); coding-DNA position 3868, G replaced by A.
Protein change: p.Val1290Ile; replaces valine 1290 with isoleucine.
Molecular consequence: missense variant. On other transcripts: intron variant (2).
Genome position (GRCh38, 1-based): chr3:10,093,303, G>A. VCF-style: chr3-10093303-G-A. GRCh37 (hg19) VCF-style: chr3-10134987-G-A.
Other names: c.3868G>A, p.Val1290Ile (NM_001319984.2, NM_033084.6); c.3757G>A, p.Val1253Ile (NM_001374253.1); c.3850-986G>A (NM_001374254.1); c.*43+10895C>T (NM_173472.2); short protein forms V1253I, V1290I.
Identifiers: ClinVar variation 3588232 (VCV003588232.1).

ClinVar aggregate classification (germline): Uncertain significance. Review status: criteria provided, multiple submitters, no conflicts (2 of 4 stars). 2 submissions from 2 submitters: Uncertain significance (2). Last evaluated 2025-07-08.

Conditions:
Fanconi anemia complementation group D2. Also called: FANCD2-Related Fanconi Anemia; FANCONI PANCYTOPENIA, TYPE 4; FANCONI ANEMIA, COMPLEMENTATION GROUP D. Identifiers: Orphanet 84, MedGen C3160738, MONDO:0009214, OMIM 227646.

gnomAD v4.1: 9 of 1,613,390 alleles (0.00056%); highest among the groups gnomAD compares: African/African-American, 0.0013%; no homozygotes.

Submissions (2):

GeneDx
Classification: Uncertain significance. Last evaluated: 2025-07-08. Review status: criteria provided, single submitter. Criteria: GeneDx Variant Classification Process June 2021. Collection method: clinical testing. Allele origin: germline. Affected: yes.
Comment: Not observed at significant frequency in large population cohorts (gnomAD); In silico analysis suggests that this missense variant does not alter protein structure/function; Has not been previously published as pathogenic or benign to our knowledge

Fulgent Genetics
Classification: Uncertain significance for Fanconi anemia complementation group D2. Last evaluated: 2024-05-07. Review status: criteria provided, single submitter. Criteria: ACMG Guidelines, 2015. Collection method: clinical testing. Allele origin: germline.